The following is an entry in ClinVar:

ClinVar aggregate classification (germline): Uncertain significance (1 of 4 stars; one submission).

Conditions:
Neurofibromatosis, type 1 (NF1). Also called: NEUROFIBROMATOSIS, TYPE I, SOMATIC; Peripheral type neurofibromatosis; VON RECKLINGHAUSEN DISEASE; Neurofibromatosis, type I. Identifiers: Orphanet 636, MedGen C0027831, MONDO:0018975, OMIM 162200. Disease mechanism: loss of function.

Submission:

Labcorp Genetics (formerly Invitae), Labcorp
Classification: Uncertain significance for Neurofibromatosis, type 1. Last evaluated: 2020-03-18. Review status: criteria provided, single submitter. Criteria: Invitae Variant Classification Sherloc (09022015). Collection method: clinical testing. Allele origin: germline.
Comment: This variant results in a copy number gain of the genomic region encompassing exons 2-12 of the NF1 gene. While the exact position of this variant cannot be determined from this data, sub-genic copy number gains are generally in tandem (PMID: 25640679). This variant would be expected to be in-frame, preserving the integrity of the reading frame. This variant has not been reported in the literature in individuals with NF1-related conditions. In summary, the available evidence is currently insufficient to determine the role of this variant in disease. Therefore, it has been classified as a Variant of Uncertain Significance.

Literature cited by the submitters: PubMed 25640679.

NC_000017.10:g.(?_29482991)_(29534143_?)dup

Gene: NF1 (neurofibromin 1; plus strand). Cytogenetic location: 17q11.2.
Variant type: Duplication.
Identifiers: ClinVar variation 1006776 (VCV001006776.2).